The following is an entry in ClinVar:

ClinVar aggregate classification (germline): Pathogenic. Review status: criteria provided, multiple submitters, no conflicts (2 of 4 stars). 3 submissions from 3 submitters: Pathogenic (3). Last evaluated 2025-09-17.

Conditions:
Familial adenomatous polyposis 2. Also called: COLORECTAL ADENOMATOUS POLYPOSIS, AUTOSOMAL RECESSIVE; ADENOMAS, MULTIPLE COLORECTAL, AUTOSOMAL RECESSIVE; MUTYH-associated polyposis; FAP type 2; MUTYH-related attenuated familial adenomatous polyposis; Adenomas, multiple colorectal. Identifiers: Orphanet 220460, Orphanet 247798, MedGen C3272841, MONDO:0012041, OMIM 608456.

Submissions (3):

Myriad Genetics, Inc.
Classification: Pathogenic for Familial adenomatous polyposis 2. Last evaluated: 2025-09-17. Review status: criteria provided, single submitter. Criteria: Myriad Autosomal Dominant, Autosomal Recessive and X-Linked Classification Criteria (2023). Collection method: clinical testing. Allele origin: unknown.
Comment: This variant is considered pathogenic. This variant creates a frameshift predicted to result in premature protein truncation.

Mendelics
Classification: Pathogenic for MYH-associated polyposis. Last evaluated: 2018-07-02. Review status: criteria provided, single submitter. Criteria: Mendelics Assertion Criteria 2017. Collection method: clinical testing. Allele origin: unknown.

Labcorp Genetics (formerly Invitae), Labcorp
Classification: Pathogenic for Familial adenomatous polyposis 2. Last evaluated: 2017-04-26. Review status: criteria provided, single submitter. Criteria: Invitae Variant Classification Sherloc (09022015). Collection method: clinical testing. Allele origin: germline.
Comment: For these reasons, this variant has been classified as Pathogenic. Loss-of-function variants in MUTYH are known to be pathogenic. This particular variant has been reported as compound heterozygous with other pathogenic variants in MUTYH in individuals with Muir–Torre syndrome (PMID: 16207212), attenuated polyposis (PMID: 22865608), and colorectal adenomas (PMID: 22773231). This variant is also known as 379delC. This sequence change deletes 1 nucleotide in exon 5 of the MUTYH mRNA (c.421delC), causing a frameshift at codon 141. This creates a premature translational stop signal (p.Gln141Argfs*5) and is expected to result in an absent or disrupted protein product.

Literature cited by the submitters: PubMed 16207212 (cited by Labcorp Genetics (formerly Invitae), Labcorp); PubMed 22865608 (cited by Labcorp Genetics (formerly Invitae), Labcorp); PubMed 22773231 (cited by Labcorp Genetics (formerly Invitae), Labcorp).

NM_001048174.2(MUTYH):c.337del (p.Gln113fs)

Gene: MUTYH (mutY DNA glycosylase; minus strand). Cytogenetic location: 1p34.1.
Variant type: Deletion.
Coding change: c.337del on transcript NM_001048174.2 (MANE Select); coding-DNA position 337, one base deleted (C; older notation c.337delC).
Protein change: p.Gln113fs; shifts the reading frame from glutamine 113.
Molecular consequence: frameshift variant. On other transcripts: non-coding transcript variant (1), intron variant (2).
Genome position (GRCh38, 1-based): chr1:45,333,138, G deleted on the plus strand (C on the coding strand, the reverse complement: MUTYH is on the minus strand); the first of 3 consecutive G bases (chr1:45,333,138-45,333,140); deleting any one gives the same sequence. VCF-style (leftmost placement, unchanged base first): chr1-45333137-TG-T. GRCh37 (hg19) VCF-style: chr1-45798809-TG-T.
Other names: c.421delC (NM_001128425.1); c.337del, p.Gln113fs (NM_001048171.2, NM_001048173.2, NM_001293195.2); c.340del, p.Gln114fs (NM_001048172.2); c.421del, p.Gln141fs (NM_001128425.2); c.382del, p.Gln128fs (NM_001293190.2); c.370del, p.Gln124fs (NM_001293191.2); c.61del, p.Gln21fs (NM_001293192.2, NM_001293196.2); c.412del, p.Gln138fs (NM_012222.3); and 1 more; short protein forms Q114fs, Q138fs, Q141fs, Q113fs, Q128fs, Q124fs, Q21fs.
Identifiers: ClinVar variation 464719 (VCV000464719.10), dbSNP rs1553129638, ClinGen allele CA658656933.